The following is an entry in ClinVar:

NM_030752.3(TCP1):c.301C>G (p.Leu101Val)

Gene: TCP1 (t-complex 1; minus strand). Cytogenetic location: 6q25.3.
Variant type: single nucleotide variant.
Coding change: c.301C>G on transcript NM_030752.3 (MANE Select); coding-DNA position 301, C replaced by G.
Protein change: p.Leu101Val; replaces leucine 101 with valine.
Molecular consequence: missense variant. On other transcripts: 5 prime UTR variant (1).
Genome position (GRCh38, 1-based): chr6:159,785,976, G>C on the plus strand (C>G on the coding strand, the complement: TCP1 is on the minus strand). VCF-style: chr6-159785976-G-C. GRCh37 (hg19) VCF-style: chr6-160207008-G-C.
Other names: c.-165C>G (NM_001008897.2); short protein forms L101V.
Identifiers: ClinVar variation 5020471 (VCV005020471.1).

ClinVar aggregate classification (germline): Uncertain significance (1 of 4 stars; one submission).

Submission:

Dasa
Classification: Uncertain significance. Last evaluated: 2026-05-27. Review status: criteria provided, single submitter. Criteria: DASA Assertion Criteria. Collection method: clinical testing. Allele origin: germline.
Comment: NM_030752.3(TCP1):c.301C>G (p.Leu101Val) is a missense variant that results in the substitution of leucine with valine. This variant is absent from population databases. The currently available literature and clinical evidence are not sufficient to establish a definitive association between this variant and the reported condition. Therefore, this variant is classified as a variant of uncertain significance.